The following is an entry in ClinVar:

NC_000006.11:g.10791926_10791927insSVA

Gene: MAK (male germ cell associated kinase; minus strand). Cytogenetic location: 6p24.2.
Variant type: Insertion.
Identifiers: ClinVar variation 4686556 (VCV004686556.1).

ClinVar aggregate classification (germline): Pathogenic (1 of 4 stars; one submission).

Conditions:
Hereditary angioedema type 1 (HAE1). Identifiers: Orphanet 100050, Orphanet 100051, Orphanet 91378, MedGen C2717906, MONDO:0015053, OMIM 106100.

Submission:

Area of Clinical and Molecular Genetics, Hospital Universitario Vall de Hebron
Classification: Pathogenic for Hereditary angioedema type 1. Last evaluated: 2026-01-14. Review status: criteria provided, single submitter. Criteria: ACMG Guidelines, 2015. Collection method: clinical testing. Allele origin: germline. Inheritance: Autosomal dominant inheritance. Affected: yes. Observed: 1 heterozygote.
Comment: The g.10791926_10791927insSVA variant in SERPING1 is absent from large population databases and has not been previously reported in patients with hereditary angioedema. It is located in intron 7 and results in disruption of normal mRNA processing. The insertion corresponds to an SVA (SINE–VNTR–Alu) repetitive element introduced via insertional mutagenesis. This finding supports a model of functional SERPING1 haploinsufficiency as the underlying mechanism of HAE-C1INH (reviewed in Drouet et al., 2022; PMID: 35958943). Accordingly, we classify this variant as pathogenic.

Literature cited by the submitters: PubMed 35958943.